The following is an entry in ClinVar:

NM_005862.3(STAG1):c.993C>T (p.Tyr331=)

Gene: STAG1 (STAG1 cohesin complex component; minus strand). Cytogenetic location: 3q22.3.
Variant type: single nucleotide variant.
Coding change: c.993C>T on transcript NM_005862.3 (MANE Select); coding-DNA position 993, C replaced by T.
Protein change: p.Tyr331=; no amino-acid change (tyrosine 331 retained).
Molecular consequence: synonymous variant.
Genome position (GRCh38, 1-based): chr3:136,477,322, G>A on the plus strand (C>T on the coding strand, the complement: STAG1 is on the minus strand). VCF-style: chr3-136477322-G-A. GRCh37 (hg19) VCF-style: chr3-136196164-G-A.
Identifiers: ClinVar variation 3257434 (VCV003257434.17).

ClinVar aggregate classification (germline): Likely benign (1 of 4 stars; one submission).

gnomAD v4.1: 1 of 1,612,894 alleles (0.000062%); highest among the groups gnomAD compares: Non-Finnish European, 0.000085%; no homozygotes.

Submission:

CeGaT Center for Human Genetics Tuebingen
Classification: Likely benign. Last evaluated: 2024-07-01. Review status: criteria provided, single submitter. Criteria: CeGaT Center For Human Genetics Tuebingen Variant Classification Criteria Version 2. Collection method: clinical testing. Allele origin: germline. Affected: yes. Observed: 1 variant allele.
Comment: STAG1: PM2:Supporting, BP4, BP7